The following is an entry in ClinVar:

ClinVar aggregate classification (germline): Uncertain significance (1 of 4 stars; one submission).

Conditions:
Progressive sclerosing poliodystrophy (MTDPS4A). Also called: Mitochondrial DNA depletion syndrome 4A (Alpers type); ALPERS PROGRESSIVE INFANTILE POLIODYSTROPHY; NEURONAL DEGENERATION OF CHILDHOOD WITH LIVER DISEASE, PROGRESSIVE; Mitochondrial DNA Depletion Syndrome 4A; Alpers-Huttenlocher Syndrome (AHS); Alpers Syndrome. Identifiers: Orphanet 726, MedGen C0205710, MONDO:0008758, OMIM 203700.

Submission:

Labcorp Genetics (formerly Invitae), Labcorp
Classification: Uncertain significance for Progressive sclerosing poliodystrophy. Last evaluated: 2021-10-27. Review status: criteria provided, single submitter. Criteria: Invitae Variant Classification Sherloc (09022015). Collection method: clinical testing. Allele origin: germline.
Comment: This sequence change replaces proline, which is neutral and non-polar, with alanine, which is neutral and non-polar, at codon 1174 of the POLG protein (p.Pro1174Ala). This variant is not present in population databases (gnomAD no frequency). This variant has not been reported in the literature in individuals affected with POLG-related conditions. Algorithms developed to predict the effect of missense changes on protein structure and function (SIFT, PolyPhen-2, Align-GVGD) all suggest that this variant is likely to be disruptive. In summary, the available evidence is currently insufficient to determine the role of this variant in disease. Therefore, it has been classified as a Variant of Uncertain Significance.

NM_002693.3(POLG):c.3520C>G (p.Pro1174Ala)

Gene: POLG (DNA polymerase gamma, catalytic subunit; minus strand). Cytogenetic location: 15q26.1.
Variant type: single nucleotide variant.
Coding change: c.3520C>G on transcript NM_002693.3 (MANE Select); coding-DNA position 3520, C replaced by G.
Protein change: p.Pro1174Ala; replaces proline 1174 with alanine.
Molecular consequence: missense variant.
Genome position (GRCh38, 1-based): chr15:89,317,499, G>C on the plus strand (C>G on the coding strand, the complement: POLG is on the minus strand). VCF-style: chr15-89317499-G-C. GRCh37 (hg19) VCF-style: chr15-89860730-G-C.
Other names: c.3520C>G, p.Pro1174Ala (NM_001126131.2); short protein forms P1174A.
Identifiers: ClinVar variation 1395440 (VCV001395440.5), dbSNP rs762019809, ClinGen allele CA393747911.
Genomic context (GRCh38, chr15:89,317,499, plus strand): 5'-TCACTTCCTTCCTGAGGCACCGGTCAATATCGACTGCACTGAAAAAGGCGACTGACTGGG[G>C]CAAGTCATTCAGACCCAGCTTGTAGGCAAACATGCACCTGAAAGAGACCCAATCTACTCT-3'
Protein context (NP_002684.1, residues 1164-1184): FAYKLGLNDL[Pro1174Ala]QSVAFFSAVD